The following is an entry in ClinVar:

ClinVar aggregate classification (germline): Conflicting classifications of pathogenicity. Review status: criteria provided, conflicting classifications (1 of 4 stars). 3 submissions from 3 submitters: Likely pathogenic (1); Uncertain significance (2). Last evaluated 2025-10-15.

Conditions:
Inborn genetic diseases. Identifiers: MedGen C0950123, MeSH D030342.
2-aminoadipic 2-oxoadipic aciduria (AAKAD). Also called: ALPHA-AMINOADIPIC AND ALPHA-KETOADIPIC ACIDURIA; Aminoadipic aciduria. Identifiers: Orphanet 79154, MedGen C1859817, MONDO:0008774, OMIM 204750.
Charcot-Marie-Tooth disease axonal type 2Q. Also called: CHARCOT-MARIE-TOOTH NEUROPATHY, TYPE 2Q; CHARCOT-MARIE-TOOTH DISEASE, AXONAL, AUTOSOMAL DOMINANT, TYPE 2Q. Identifiers: Orphanet 329258, MedGen C3554366, MONDO:0014012, OMIM 615025.

Allele frequency attached by ClinVar (database versions not stated): gnomAD exomes 0.00002; gnomAD 0.00003; TOPMed 0.00005; ExAC 0.00006; ESP Exome Variant Server 0.00008; 1000 Genomes Project 30x 0.00016; 1000 Genomes Project 0.00020.
gnomAD v4.1: 36 of 1,612,474 alleles (0.0022%); highest among the groups gnomAD compares: African/African-American, 0.0067%; no homozygotes.

Submissions (3):

Labcorp Genetics (formerly Invitae), Labcorp
Classification: Uncertain significance for 2-aminoadipic 2-oxoadipic aciduria. Last evaluated: 2025-10-15. Review status: criteria provided, single submitter. Criteria: Invitae Variant Classification Sherloc (09022015). Collection method: clinical testing. Allele origin: germline.
Comment: This sequence change replaces arginine, which is basic and polar, with histidine, which is basic and polar, at codon 715 of the DHTKD1 protein (p.Arg715His). This variant is present in population databases (rs145427732, gnomAD 0.02%). This variant has not been reported in the literature in individuals affected with DHTKD1-related conditions. ClinVar contains an entry for this variant (Variation ID: 3065235). Invitae Evidence Modeling of protein sequence and biophysical properties (such as structural, functional, and spatial information, amino acid conservation, physicochemical variation, residue mobility, and thermodynamic stability) indicates that this missense variant is expected to disrupt DHTKD1 protein function with a positive predictive value of 80%. In summary, the available evidence is currently insufficient to determine the role of this variant in disease. Therefore, it has been classified as a Variant of Uncertain Significance.

Ambry Genetics
Classification: Uncertain significance for Inborn genetic diseases. Last evaluated: 2025-04-17. Review status: criteria provided, single submitter. Criteria: Ambry Variant Classification Scheme 2023. Collection method: clinical testing. Allele origin: germline.
Comment: The c.2144G>A (p.R715H) alteration is located in exon 12 (coding exon 12) of the DHTKD1 gene. This alteration results from a G to A substitution at nucleotide position 2144, causing the arginine (R) at amino acid position 715 to be replaced by a histidine (H). Based on data from gnomAD, the A allele has an overall frequency of 0.003% (8/250658) total alleles studied. The highest observed frequency was 0.019% (3/16236) of African alleles. This variant was detected in conjunction with another variant in DHTKD1 in an individual with clinical features of alpha-aminoadipic and alpha-ketoadipic aciduria (Stiles, 2016). This amino acid position is highly conserved in available vertebrate species. This alteration is predicted to be deleterious by in silico analysis. Based on insufficient or conflicting evidence, the clinical significance of this alteration remains unclear.

Genomic Medicine Center of Excellence, King Faisal Specialist Hospital and Research Centre
Classification: Likely pathogenic for Charcot-Marie-Tooth disease axonal type 2Q. Last evaluated: 2024-03-26. Review status: criteria provided, single submitter. Criteria: ACMG Guidelines, 2015. Collection method: clinical testing. Allele origin: germline.

Literature cited by the submitters: PubMed 26141459 (cited by Ambry Genetics).

NM_018706.7(DHTKD1):c.2144G>A (p.Arg715His)

Gene: DHTKD1 (dehydrogenase E1 and transketolase domain containing 1; plus strand). Cytogenetic location: 10p14.
Variant type: single nucleotide variant.
Coding change: c.2144G>A on transcript NM_018706.7 (MANE Select); coding-DNA position 2144, G replaced by A.
Protein change: p.Arg715His; replaces arginine 715 with histidine.
Molecular consequence: missense variant.
Genome position (GRCh38, 1-based): chr10:12,108,005, G>A. VCF-style: chr10-12108005-G-A. GRCh37 (hg19) VCF-style: chr10-12150004-G-A.
Other names: c.2144G>A (NM_018706.5); short protein forms R715H.
Identifiers: ClinVar variation 3065235 (VCV003065235.4), dbSNP rs145427732, ClinGen allele CA5408147.
Genomic context (GRCh38, chr10:12,108,005, plus strand): 5'-TCCTCCTTCCACATGGCTACGATGGGGCTGGGCCAGACCACTCATCCTGTCGAATAGAGC[G>A]TTTCCTGCAGGTAAGGGTAACGTCTTCCGGAGTCAATGAATCATTTTCCTGCTTCCTAGA-3'
Protein context (NP_061176.4, residues 705-725): GPDHSSCRIE[Arg715His]FLQMCDSAEE